The following is an entry in ClinVar:

NM_020207.7(ERCC6L2):c.1530G>A (p.Met510Ile)

Gene: ERCC6L2 (ERCC excision repair 6 like 2; plus strand). Cytogenetic location: 9q22.32.
Variant type: single nucleotide variant.
Coding change: c.1530G>A on transcript NM_020207.7 (MANE Select); coding-DNA position 1530, G replaced by A.
Protein change: p.Met510Ile; replaces methionine 510 with isoleucine.
Molecular consequence: missense variant. On other transcripts: non-coding transcript variant (1).
Genome position (GRCh38, 1-based): chr9:95,923,376, G>A. VCF-style: chr9-95923376-G-A. GRCh37 (hg19) VCF-style: chr9-98685658-G-A.
Other names: c.1530G>A, p.Met510Ile (NM_001010895.4, NM_001375291.1, NM_001375292.1 and 2 more transcripts); short protein forms M510I.
Identifiers: ClinVar variation 5036073 (VCV005036073.1).

ClinVar aggregate classification (germline): Uncertain significance (1 of 4 stars; one submission).

Conditions:
Inborn genetic diseases. Identifiers: MedGen C0950123, MeSH D030342.

Submission:

Ambry Genetics
Classification: Uncertain significance for Inborn genetic diseases. Last evaluated: 2026-06-28. Review status: criteria provided, single submitter. Criteria: Ambry Variant Classification Scheme 2023. Collection method: clinical testing. Allele origin: germline.
Comment: The p.M510I variant (also known as c.1530G>A), located in coding exon 9 of the ERCC6L2 gene, results from a G to A substitution at nucleotide position 1530. The methionine at codon 510 is replaced by isoleucine, an amino acid with highly similar properties. This amino acid position is conserved. In addition, this alteration is predicted to be deleterious by in silico analysis. Based on the available evidence, the clinical significance of this variant remains unclear.